The following is an entry in ClinVar:

ClinVar aggregate classification (germline): Uncertain significance. Review status: criteria provided, multiple submitters, no conflicts (2 of 4 stars). 2 submissions from 2 submitters: Uncertain significance (2). Last evaluated 2023-11-24.

Conditions:
Inborn genetic diseases. Identifiers: MedGen C0950123, MeSH D030342.

Allele frequency attached by ClinVar (database versions not stated): TOPMed below 0.00001; gnomAD 0.00001; ExAC 0.00002.
gnomAD v4.1: 22 of 1,613,778 alleles (0.0014%); highest among the groups gnomAD compares: Admixed American, 0.0067%; no homozygotes.

Submissions (2):

Labcorp Genetics (formerly Invitae), Labcorp
Classification: Uncertain significance. Last evaluated: 2023-11-24. Review status: criteria provided, single submitter. Criteria: Invitae Variant Classification Sherloc (09022015). Collection method: clinical testing. Allele origin: germline.
Comment: This sequence change replaces glycine, which is neutral and non-polar, with arginine, which is basic and polar, at codon 1370 of the KMT2E protein (p.Gly1370Arg). This variant is present in population databases (rs780221426, gnomAD 0.009%). This variant has not been reported in the literature in individuals affected with KMT2E-related conditions. ClinVar contains an entry for this variant (Variation ID: 2301342). Advanced modeling of protein sequence and biophysical properties (such as structural, functional, and spatial information, amino acid conservation, physicochemical variation, residue mobility, and thermodynamic stability) performed at Invitae indicates that this missense variant is not expected to disrupt KMT2E protein function with a negative predictive value of 80%. In summary, the available evidence is currently insufficient to determine the role of this variant in disease. Therefore, it has been classified as a Variant of Uncertain Significance.

Ambry Genetics
Classification: Uncertain significance for Inborn genetic diseases. Last evaluated: 2022-08-10. Review status: criteria provided, single submitter. Criteria: Ambry Variant Classification Scheme 2023. Collection method: clinical testing. Allele origin: germline.

Literature cited by the submitters: PubMed 33004838 (cited by Ambry Genetics).

NM_182931.3(KMT2E):c.4108G>A (p.Gly1370Arg)

Gene: KMT2E (lysine methyltransferase 2E (inactive); plus strand). Cytogenetic location: 7q22.3.
Variant type: single nucleotide variant.
Coding change: c.4108G>A on transcript NM_182931.3 (MANE Select); coding-DNA position 4108, G replaced by A.
Protein change: p.Gly1370Arg; replaces glycine 1370 with arginine.
Molecular consequence: missense variant.
Genome position (GRCh38, 1-based): chr7:105,111,864, G>A. VCF-style: chr7-105111864-G-A. GRCh37 (hg19) VCF-style: chr7-104752311-G-A.
Other names: c.3982G>A, p.Gly1328Arg (NM_001410908.1); c.4108G>A, p.Gly1370Arg (NM_018682.4); short protein forms G1370R, G1328R.
Identifiers: ClinVar variation 2301342 (VCV002301342.5), dbSNP rs780221426, ClinGen allele CA4424682.